The following is an entry in ClinVar:

NM_001281740.3(FHOD3):c.2244C>T (p.Ala748=)

Gene: FHOD3 (formin homology 2 domain containing 3; plus strand). Cytogenetic location: 18q12.2.
Variant type: single nucleotide variant.
Coding change: c.2244C>T on transcript NM_001281740.3 (MANE Select); coding-DNA position 2244, C replaced by T.
Protein change: p.Ala748=; no amino-acid change (alanine 748 retained).
Molecular consequence: synonymous variant.
Genome position (GRCh38, 1-based): chr18:36,709,102, C>T. VCF-style: chr18-36709102-C-T. GRCh37 (hg19) VCF-style: chr18-34289065-C-T.
Other names: c.1668C>T, p.Ala556= (NM_001281739.3); c.1719C>T, p.Ala573= (NM_025135.5).
Identifiers: ClinVar variation 3894774 (VCV003894774.3), dbSNP rs370314717.

ClinVar aggregate classification (germline): Likely benign. Review status: criteria provided, multiple submitters, no conflicts (2 of 4 stars). 3 submissions from 3 submitters: Likely benign (3). Last evaluated 2026-06-16.

Conditions:
FHOD3-related disorder. Also called: FHOD3-related condition.

gnomAD v4.1: 53 of 1,611,990 alleles (0.0033%); highest among the groups gnomAD compares: Admixed American, 0.022%; no homozygotes.

Submissions (3):

PreventionGenetics, part of Exact Sciences
Classification: Likely benign for FHOD3-related condition. Last evaluated: 2026-06-16. Review status: criteria provided, single submitter. Criteria: ACMG Guidelines, 2015. Collection method: clinical testing. Allele origin: germline.
Comment: This variant is classified as likely benign based on ACMG/AMP sequence variant interpretation guidelines (Richards et al. 2015 PMID: 25741868, with internal and published modifications).

Molecular Diagnostic Laboratory for Inherited Cardiovascular Disease, Montreal Heart Institute
Classification: Likely benign. Last evaluated: 2025-04-09. Review status: criteria provided, single submitter. Criteria: ACMG Guidelines, 2015. Collection method: clinical testing. Allele origin: germline. Affected: no.

Blueprint Genetics
Classification: Likely benign. Last evaluated: 2021-08-03. Review status: criteria provided, single submitter. Criteria: ACMG Guidelines, 2015. Collection method: clinical testing. Allele origin: germline.